The following is an entry in ClinVar:

NM_001330.5(CTF1):c.566A>C (p.Glu189Ala)

Genes: CTF1 (cardiotrophin 1; plus strand), LOC130058878 (ATAC-STARR-seq lymphoblastoid silent region 7400; plus strand). Cytogenetic location: 16p11.2.
Variant type: single nucleotide variant.
Coding change: c.566A>C on transcript NM_001330.5 (MANE Select); coding-DNA position 566, A replaced by C.
Protein change: p.Glu189Ala; replaces glutamic acid 189 with alanine.
Molecular consequence: missense variant. On other transcripts: non-coding transcript variant (1).
Genome position (GRCh38, 1-based): chr16:30,902,499, A>C. VCF-style: chr16-30902499-A-C. GRCh37 (hg19) VCF-style: chr16-30913820-A-C.
Other names: c.563A>C, p.Glu188Ala (NM_001142544.3); short protein forms E189A, E188A.
Identifiers: ClinVar variation 2100827 (VCV002100827.4), dbSNP rs2055413530, ClinGen allele CA395619758.

ClinVar aggregate classification (germline): Uncertain significance (1 of 4 stars; one submission).

Allele frequency attached by ClinVar (database versions not stated): gnomAD 0.00001.
gnomAD v4.1: 1 of 1,490,092 alleles (0.000067%); highest among the groups gnomAD compares: African/African-American, 0.0015%; no homozygotes.

Submission:

Labcorp Genetics (formerly Invitae), Labcorp
Classification: Uncertain significance. Last evaluated: 2022-02-21. Review status: criteria provided, single submitter. Criteria: Invitae Variant Classification Sherloc (09022015). Collection method: clinical testing. Allele origin: germline.
Comment: This sequence change replaces glutamic acid, which is acidic and polar, with alanine, which is neutral and non-polar, at codon 189 of the CTF1 protein (p.Glu189Ala). This variant is not present in population databases (gnomAD no frequency). This variant has not been reported in the literature in individuals affected with CTF1-related conditions. Algorithms developed to predict the effect of missense changes on protein structure and function are either unavailable or do not agree on the potential impact of this missense change (SIFT: "Deleterious"; PolyPhen-2: "Possibly Damaging"; Align-GVGD: "Class C0"). In summary, the available evidence is currently insufficient to determine the role of this variant in disease. Therefore, it has been classified as a Variant of Uncertain Significance.